The following is an entry in ClinVar:

NM_000535.7(PMS2):c.2315C>T (p.Thr772Ile)

Gene: PMS2 (PMS1 homolog 2, mismatch repair system component; minus strand). Cytogenetic location: 7p22.1.
Variant type: single nucleotide variant.
Coding change: c.2315C>T on transcript NM_000535.7 (MANE Select); coding-DNA position 2315, C replaced by T.
Protein change: p.Thr772Ile; replaces threonine 772 with isoleucine.
Molecular consequence: missense variant.
Genome position (GRCh38, 1-based): chr7:5,977,718, G>A on the plus strand (C>T on the coding strand, the complement: PMS2 is on the minus strand). VCF-style: chr7-5977718-G-A. GRCh37 (hg19) VCF-style: chr7-6017349-G-A.
Other names: c.1910C>T, p.Thr637Ile (NM_001322003.2, NM_001322004.2, NM_001322005.2); c.2159C>T, p.Thr720Ile (NM_001322006.2); c.1997C>T, p.Thr666Ile (NM_001322007.2, NM_001322008.2); c.1943C>T, p.Thr648Ile (NM_001322009.2); c.1754C>T, p.Thr585Ile (NM_001322010.2); c.1382C>T, p.Thr461Ile (NM_001322011.2, NM_001322012.2); c.1742C>T, p.Thr581Ile (NM_001322013.2); c.2348C>T, p.Thr783Ile (NM_001322014.2); and 2 more; short protein forms T461I, T581I, T585I, T637I, T648I, T666I, T669I, T720I.
Identifiers: ClinVar variation 1019979 (VCV001019979.7), dbSNP rs1781849852, ClinGen allele CA366736028.

ClinVar aggregate classification (germline): Uncertain significance. Review status: criteria provided, multiple submitters, no conflicts (2 of 4 stars). 3 submissions from 3 submitters: Uncertain significance (3). Last evaluated 2024-11-28.

Conditions:
Hereditary nonpolyposis colorectal neoplasms. Identifiers: MedGen C0009405, MeSH D003123.
Hereditary cancer-predisposing syndrome. Also called: Tumor predisposition; Neoplastic Syndromes, Hereditary; Hereditary neoplastic syndrome; Hereditary Cancer Syndrome. Identifiers: Orphanet 140162, MedGen C0027672, MeSH D009386, MONDO:0015356.
Lynch syndrome 4 (LYNCH4). Also called: Hereditary non-polyposis colorectal cancer, type 4; Colorectal cancer, hereditary nonpolyposis, type 4. Identifiers: Orphanet 144, MedGen C1838333, MONDO:0013699, OMIM 614337. Disease mechanism: loss of function.

Submissions (3):

Labcorp Genetics (formerly Invitae), Labcorp
Classification: Uncertain significance for Hereditary nonpolyposis colorectal neoplasms. Last evaluated: 2024-11-28. Review status: criteria provided, single submitter. Criteria: Invitae Variant Classification Sherloc (09022015). Collection method: clinical testing. Allele origin: germline.
Comment: This sequence change replaces threonine, which is neutral and polar, with isoleucine, which is neutral and non-polar, at codon 772 of the PMS2 protein (p.Thr772Ile). The frequency data for this variant in the population databases (gnomAD) is considered unreliable due to the presence of homologous sequence, such as pseudogenes or paralogs, in the genome. This variant has not been reported in the literature in individuals affected with PMS2-related conditions. ClinVar contains an entry for this variant (Variation ID: 1019979). Invitae Evidence Modeling incorporating data from in vitro experimental studies (internal data) indicates that this missense variant is not expected to disrupt PMS2 function with a negative predictive value of 95%. In summary, the available evidence is currently insufficient to determine the role of this variant in disease. Therefore, it has been classified as a Variant of Uncertain Significance.

Ambry Genetics
Classification: Uncertain significance for Hereditary cancer-predisposing syndrome. Last evaluated: 2023-10-19. Review status: criteria provided, single submitter. Criteria: Ambry Variant Classification Scheme 2023. Collection method: clinical testing. Allele origin: germline.
Comment: The p.T772I variant (also known as c.2315C>T), located in coding exon 14 of the PMS2 gene, results from a C to T substitution at nucleotide position 2315. The threonine at codon 772 is replaced by isoleucine, an amino acid with similar properties. This amino acid position is conserved. In addition, this alteration is predicted to be deleterious by in silico analysis. Since supporting evidence is limited at this time, the clinical significance of this alteration remains unclear.

Baylor Genetics
Classification: Uncertain significance for Lynch syndrome 4. Last evaluated: 2023-09-27. Review status: criteria provided, single submitter. Criteria: ACMG Guidelines, 2015. Collection method: clinical testing. Allele origin: unknown.